The following is an entry in ClinVar:

ClinVar aggregate classification (germline): Pathogenic. Review status: reviewed by expert panel (3 of 4 stars). 11 submissions from 10 submitters: Pathogenic (1). 10 of the submissions do not count toward it. Last evaluated 2017-03-17.

Conditions:
CFTR-related disorder (CFTR-RD). Also called: CFTR-related condition; CFTR-related disorders. Identifiers: MedGen C5924204, MONDO:7770004.
Congenital bilateral aplasia of vas deferens from CFTR mutation (CBAVD). Identifiers: Orphanet 48, MedGen C0403814, MONDO:0010178, OMIM 277180. Disease mechanism: loss of function.
Cystic fibrosis (CF). Also called: MUCOVISCIDOSIS. Identifiers: Orphanet 586, MedGen C0010674, MONDO:0009061, OMIM 219700. Disease mechanism: loss of function.
Bronchiectasis with or without elevated sweat chloride 1 (BESC1). Also called: Cystic Fibrosis-Like Syndrome. Identifiers: Orphanet 60033, MedGen C2749757, MONDO:0008887, OMIM 211400.

Submissions (11):

CFTR2
Classification: Pathogenic for Cystic fibrosis. Last evaluated: 2017-03-17. Review status: reviewed by expert panel. Criteria: Sosnay PR et al. (Nat Genet 2013). Collection method: research. Allele origin: germline. Affected: yes. Study: CFTR2.

3billion
Classification: Pathogenic for Cystic fibrosis. Last evaluated: 2025-10-01. Review status: criteria provided, single submitter. Criteria: ACMG Guidelines, 2015. Collection method: clinical testing. Allele origin: germline. Affected: yes. Not counted in ClinVar's aggregate classification.
Comment: The variant is observed at an extremely low frequency in the gnomAD v4.1.0 dataset (total allele frequency: <0.001%). Predicted Consequence/Location: Frameshift: predicted to result in a loss or disruption of normal protein function through nonsense-mediated decay (NMD) or protein truncation. Multiple pathogenic variants are reported downstream of the variant. The variant has been reported multiple times as an established pathogenic variant (ClinVar ID: VCV000053991 /PMID: 10993719). Therefore, this variant is classified as Pathogenic according to the recommendation of ACMG/AMP guideline.

PreventionGenetics, part of Exact Sciences
Classification: Pathogenic for CFTR-related condition. Last evaluated: 2025-09-03. Review status: criteria provided, single submitter. Criteria: ACMG Guidelines, 2015. Collection method: clinical testing. Allele origin: germline. Not counted in ClinVar's aggregate classification.
Comment: The CFTR c.531delT variant is predicted to result in a frameshift and premature protein termination (p.Ile177Metfs*12). This variant was reported in individuals with autosomal recessive cystic fibrosis (see, for examples, supplementary data, Sosnay et al. 2013. PubMed ID: 23974870; reported as 663delT in Castellani et al. 2008. PubMed ID: 18456578). This variant has not been reported in a large population database (gnomAD), indicating this variant is rare. Frameshift variants in CFTR are expected to be pathogenic. This variant is interpreted as pathogenic.

Labcorp Genetics (formerly Invitae), Labcorp
Classification: Pathogenic for Cystic fibrosis. Last evaluated: 2025-08-15. Review status: criteria provided, single submitter. Criteria: Invitae Variant Classification Sherloc (09022015). Collection method: clinical testing. Allele origin: germline. Not counted in ClinVar's aggregate classification.
Comment: This sequence change creates a premature translational stop signal (p.Ile177Metfs*12) in the CFTR gene. It is expected to result in an absent or disrupted protein product. Loss-of-function variants in CFTR are known to be pathogenic (PMID: 1695717, 7691345, 9725922). This variant is not present in population databases (gnomAD no frequency). This premature translational stop signal has been observed in individual(s) with cystic fibrosis (PMID: 10993719, 15365999, 23974870). This variant is also known as 663delT. ClinVar contains an entry for this variant (Variation ID: 53991). For these reasons, this variant has been classified as Pathogenic.

Natera, Inc.
Classification: Pathogenic for CFTR-related disorders. Last evaluated: 2025-08-15. Review status: criteria provided, single submitter. Criteria: Natera Variant Classification Schema (03/2026). Collection method: clinical testing. Allele origin: germline. Not counted in ClinVar's aggregate classification.
Comment: The c.531delT variant in CFTR is a frameshift variant predicted to shift the reading frame beginning at codon 177 and leads to a stop codon 12 codons downstream. This variant is expected to result in nonsense mediated decay, truncation, or a dysfunctional protein product. This variant is rare in the general population with a frequency below the threshold expected for the associated phenotype(s). This variant has been observed in one or more individuals affected with the associated recessive disease, as either homozygous or compound heterozygous with a second variant (PMID: 10993719, 11158459, 16980811). Given the available evidence, this variant is classified as Pathogenic.

Ambry Genetics
Classification: Pathogenic for Cystic fibrosis. Last evaluated: 2025-01-14. Review status: criteria provided, single submitter. Criteria: Ambry Variant Classification Scheme 2023. Collection method: clinical testing. Allele origin: germline. Not counted in ClinVar's aggregate classification.
Comment: The c.531delT pathogenic mutation, located in coding exon 5 of the CFTR gene, results from a deletion of one nucleotide at nucleotide position 531, causing a translational frameshift with a predicted alternate stop codon (p.I177Mfs*12). This alteration is associated with elevated sweat chloride levels, lung disease, and pancreatic insufficiency (Sosnay PR, et al. Nat Genet. 2013; 45(10):1160-7, Supplementary Table). In addition to the clinical data presented in the literature, this alteration is expected to result in loss of function by premature protein truncation or nonsense-mediated mRNA decay. As such, this alteration is interpreted as a disease-causing mutation.

Baylor Genetics
Classification: Pathogenic for Bronchiectasis with or without elevated sweat chloride 1. Last evaluated: 2024-01-18. Review status: criteria provided, single submitter. Criteria: ACMG Guidelines, 2015. Collection method: clinical testing. Allele origin: unknown. Not counted in ClinVar's aggregate classification.

ARUP Laboratories, Molecular Genetics and Genomics, ARUP Laboratories
Classification: Pathogenic. Last evaluated: 2023-03-30. Review status: criteria provided, single submitter. Criteria: ARUP Molecular Germline Variant Investigation Process 2024. Collection method: clinical testing. Allele origin: germline. Not counted in ClinVar's aggregate classification.
Comment: The CFTR c.531del; p.Ile177MetfsTer12 variant (rs121908771), also known as 663delT, is reported in cystic fibrosis patients and often associated with pancreatic insufficiency (Sosnay 2013, Wang 2000, CFTR2 database). This variant is also reported in ClinVar (Variation ID: 53991). It is absent from the Genome Aggregation Database, indicating it is not a common polymorphism. This variant causes a frameshift by deleting a single nucleotide, so it is predicted to result in a truncated protein or mRNA subject to nonsense-mediated decay. Based on available information, this variant is considered to be pathogenic. References: CFTR2 database: Sosnay PR et al. Defining the disease liability of variants in the cystic fibrosis transmembrane conductance regulator gene. Nat Genet. 2013; 45(10):1160-7. PMID: 23974870. Wang J et al. A novel CFTR frame-shift mutation, 935delA, in two Hispanic cystic fibrosis patients. Mol Genet Metab. 2000; 70(4):316-21. PMID: 10993719.

Women's Health and Genetics/Laboratory Corporation of America, LabCorp
Classification: Pathogenic for Cystic fibrosis. Last evaluated: 2021-11-08. Review status: criteria provided, single submitter. Criteria: LabCorp Variant Classification Summary - May 2015. Collection method: clinical testing. Allele origin: germline. Not counted in ClinVar's aggregate classification.
Comment: Variant summary: CFTR c.531delT (p.Ile177MetfsX12) results in a premature termination codon, predicted to cause a truncation of the encoded protein or absence of the protein due to nonsense mediated decay, which are commonly known mechanisms for disease. Truncations downstream of this position have been classified as pathogenic by our laboratory. The variant was absent in 250720 control chromosomes. c.531delT has been reported in the literature in multiple individuals affected with Cystic Fibrosis (example Sosnay_2013). These data indicate that the variant is very likely to be associated with disease. To our knowledge, no variant specific experimental evidence demonstrating an impact on protein function has been reported. Two clinical diagnostic laboratories and an expert panel (CFTR2) have submitted clinical-significance assessments for this variant to ClinVar after 2014 without evidence for independent evaluation. All laboratories classified the variant as pathogenic. Based on the evidence outlined above, the variant was classified as pathogenic.

Myriad Genetics, Inc.
Classification: Pathogenic for Cystic fibrosis. Last evaluated: 2019-12-07. Review status: criteria provided, single submitter. Criteria: Myriad Women's Health Autosomal Recessive and X-Linked Classification Criteria (2019). Collection method: clinical testing. Allele origin: unknown. Not counted in ClinVar's aggregate classification.
Comment: NM_000492.3(CFTR):c.531delT(I177Mfs*12, aka 663delT) is classified as pathogenic in the context of cystic fibrosis and is associated with the classic form of disease. Sources cited for classification include the following: PMID 23974870. Classification of NM_000492.3(CFTR):c.531delT(I177Mfs*12, aka 663delT) is based on the following criteria: The variant causes a premature termination codon that is expected to be targeted by nonsense-mediated mRNA decay and is reported in individuals with the relevant phenotype. Please note: this variant was assessed in the context of healthy population screening.

Baylor Genetics
Classification: Pathogenic for Congenital bilateral aplasia of vas deferens from CFTR mutation; Cystic fibrosis. Review status: criteria provided, single submitter. Criteria: ACMG Guidelines, 2015. Collection method: clinical testing. Allele origin: germline. Not counted in ClinVar's aggregate classification.

Literature cited by the submitters: PubMed 10993719 (cited by 4 submitters); PubMed 1695717 (cited by Labcorp Genetics (formerly Invitae), Labcorp); PubMed 7691345 (cited by Labcorp Genetics (formerly Invitae), Labcorp); PubMed 9725922 (cited by Labcorp Genetics (formerly Invitae), Labcorp); PubMed 15365999 (cited by Labcorp Genetics (formerly Invitae), Labcorp); PubMed 23974870 (cited by 4 submitters); PubMed 11158459 (cited by Natera, Inc.); PubMed 16980811 (cited by Natera, Inc.).

NM_000492.4(CFTR):c.531del (p.Ile177fs)

Gene: CFTR (CF transmembrane conductance regulator; plus strand). Cytogenetic location: 7q31.2.
Variant type: Deletion.
Coding change: c.531del on transcript NM_000492.4 (MANE Select); coding-DNA position 531, one base deleted (T; older notation c.531delT).
Protein change: p.Ile177fs; shifts the reading frame from isoleucine 177.
Molecular consequence: frameshift variant.
Genome position (GRCh38, 1-based): chr7:117,534,317, T deleted; the last of 2 consecutive T bases (chr7:117,534,316-117,534,317); deleting either gives the same sequence. VCF-style (leftmost placement, unchanged base first): chr7-117534315-AT-A. GRCh37 (hg19) VCF-style: chr7-117174369-AT-A.
Other names: 663delT; c.531delT (NM_000492.3); short protein forms I177fs.
Identifiers: ClinVar variation 53991 (VCV000053991.25), dbSNP rs121908771, ClinGen allele CA328124.